The following is an entry in ClinVar:

ClinVar aggregate classification (germline): Uncertain significance. Review status: criteria provided, multiple submitters, no conflicts (2 of 4 stars). 2 submissions from 2 submitters: Uncertain significance (2). Last evaluated 2025-09-19.

Conditions:
Colorectal cancer, hereditary nonpolyposis, type 7. Identifiers: Orphanet 144, MedGen C1858380, MONDO:0013725, OMIM 614385.

gnomAD v4.1: 3 of 1,614,030 alleles (0.00019%); highest among the groups gnomAD compares: African/African-American, 0.0013%; no homozygotes.

Submissions (2):

Ambry Genetics
Classification: Uncertain significance. Last evaluated: 2025-09-19. Review status: criteria provided, single submitter. Criteria: Ambry Variant Classification Scheme 2023. Collection method: clinical testing. Allele origin: germline.
Comment: The p.I442V variant (also known as c.1324A>G), located in coding exon 1 of the MLH3 gene, results from an A to G substitution at nucleotide position 1324. The isoleucine at codon 442 is replaced by valine, an amino acid with highly similar properties. This amino acid position is conserved. In addition, this alteration is predicted to be tolerated by in silico analysis. Since supporting evidence is limited at this time, the clinical significance of this alteration remains unclear.

Labcorp Genetics (formerly Invitae), Labcorp
Classification: Uncertain significance for Colorectal cancer, hereditary nonpolyposis, type 7. Last evaluated: 2025-02-15. Review status: criteria provided, single submitter. Criteria: Invitae Variant Classification Sherloc (09022015). Collection method: clinical testing. Allele origin: germline.
Comment: This sequence change replaces isoleucine, which is neutral and non-polar, with valine, which is neutral and non-polar, at codon 442 of the MLH3 protein (p.Ile442Val). This variant is not present in population databases (gnomAD no frequency). This variant has not been reported in the literature in individuals affected with MLH3-related conditions. ClinVar contains an entry for this variant (Variation ID: 1415560). An algorithm developed to predict the effect of missense changes on protein structure and function (PolyPhen-2) suggests that this variant is likely to be tolerated. In summary, the available evidence is currently insufficient to determine the role of this variant in disease. Therefore, it has been classified as a Variant of Uncertain Significance.

NM_001040108.2(MLH3):c.1324A>G (p.Ile442Val)

Gene: MLH3 (mutL homolog 3; minus strand). Cytogenetic location: 14q24.3.
Variant type: single nucleotide variant.
Coding change: c.1324A>G on transcript NM_001040108.2 (MANE Select); coding-DNA position 1324, A replaced by G.
Protein change: p.Ile442Val; replaces isoleucine 442 with valine.
Molecular consequence: missense variant.
Genome position (GRCh38, 1-based): chr14:75,048,332, T>C on the plus strand (A>G on the coding strand, the complement: MLH3 is on the minus strand). VCF-style: chr14-75048332-T-C. GRCh37 (hg19) VCF-style: chr14-75515035-T-C.
Other names: c.1324A>G, p.Ile442Val (NM_014381.3); short protein forms I442V.
Identifiers: ClinVar variation 1415560 (VCV001415560.11), dbSNP rs1892412042, ClinGen allele CA390446441.
Genomic context (GRCh38, chr14:75,048,332, plus strand): 5'-CTTTGTTTTGTAAAGATGGCTCTGTCATTTTGCTATGGCCTGGACCACCTGATTCATAAA[T>C]GTACAAAAATGCATCATTTGTATTTTTTCTGGTAGCTTCTGAATCCCTAGAACTCTGTGT-3'
Protein context (NP_001035197.1, residues 432-452): RKNTNDAFLY[Ile442Val]YESGGPGHSK